The following is an entry in ClinVar:

ClinVar aggregate classification (germline): Likely pathogenic (1 of 4 stars; one submission).

Submission:

GeneDx
Classification: Likely pathogenic. Last evaluated: 2016-02-25. Review status: criteria provided, single submitter. Criteria: GeneDx Variant Classification (06012015). Collection method: clinical testing. Allele origin: germline. Affected: yes.
Comment: The C102S variant has been published previously in a patient who was also heterozygous for the K695R variant in the MEFV gene; however, the MEFV variant was likely the cause of the patient's disorder (Svedia et al, 2014). C102S was not observed in approximately 6,500 individuals of European and African American ancestry in the NHLBI Exome Sequencing Project, indicating it is not a common benign variant in these populations. It is a non-conservative amino acid substitution, which is likely to impact secondary protein structure as these residues differ in polarity, charge, size and/or other properties. This substitution occurs at a position that is conserved in mammals and in silico analysis predicts this variant is probably damaging to the protein structure/function. In addition, missense variants at the same residue (C102Y/R) and in nearby residues (C99S/G/R/Y, S103C) have been reported in the Human Gene Mutation Database in association with periodic fevers (Stenson et al., 2014), supporting the functional importance of this region of the protein. Therefore, this variant is likely pathogenic; however, the possibility that it is benign cannot be excluded.

NM_001065.4(TNFRSF1A):c.305G>C (p.Cys102Ser)

Gene: TNFRSF1A (TNF receptor superfamily member 1A; minus strand). Cytogenetic location: 12p13.31.
Variant type: single nucleotide variant.
Coding change: c.305G>C on transcript NM_001065.4 (MANE Select); coding-DNA position 305, G replaced by C.
Protein change: p.Cys102Ser; replaces cysteine 102 with serine.
Molecular consequence: missense variant. On other transcripts: 5 prime UTR variant (2), non-coding transcript variant (1).
Genome position (GRCh38, 1-based): chr12:6,333,754, C>G on the plus strand (G>C on the coding strand, the complement: TNFRSF1A is on the minus strand). VCF-style: chr12-6333754-C-G. GRCh37 (hg19) VCF-style: chr12-6442920-C-G.
Other names: c.-20G>C (NM_001346091.2); c.-273G>C (NM_001346092.2); short protein forms C102S.
Identifiers: ClinVar variation 431949 (VCV000431949.2), dbSNP rs1555108112, ClinGen allele CA383550414.